The following is an entry in ClinVar:

ClinVar aggregate classification (germline): Uncertain significance (1 of 4 stars; one submission).

Conditions:
Inborn genetic diseases. Identifiers: MedGen C0950123, MeSH D030342.

Submission:

Ambry Genetics
Classification: Uncertain significance for Inborn genetic diseases. Last evaluated: 2024-02-16. Review status: criteria provided, single submitter. Criteria: Ambry Variant Classification Scheme 2023. Collection method: clinical testing. Allele origin: germline.
Comment: The p.A201T variant (also known as c.601G>A), located in coding exon 6 of the MDH2 gene, results from a G to A substitution at nucleotide position 601. The alanine at codon 201 is replaced by threonine, an amino acid with similar properties. This amino acid position is conserved. In addition, this alteration is predicted to be deleterious by in silico analysis. Based on the available evidence, the clinical significance of this alteration remains unclear.

NM_005918.4(MDH2):c.601G>A (p.Ala201Thr)

Gene: MDH2 (malate dehydrogenase 2; plus strand). Cytogenetic location: 7q11.23.
Variant type: single nucleotide variant.
Coding change: c.601G>A on transcript NM_005918.4 (MANE Select); coding-DNA position 601, G replaced by A.
Protein change: p.Ala201Thr; replaces alanine 201 with threonine.
Molecular consequence: missense variant.
Genome position (GRCh38, 1-based): chr7:76,063,560, G>A. VCF-style: chr7-76063560-G-A. GRCh37 (hg19) VCF-style: chr7-75692878-G-A.
Other names: c.475G>A, p.Ala159Thr (NM_001282403.2); c.280G>A, p.Ala94Thr (NM_001282404.2); short protein forms A159T, A201T, A94T.
Identifiers: ClinVar variation 3225202 (VCV003225202.1), dbSNP rs2535869676, ClinGen allele CA367766771.